The following is an entry in ClinVar:

ClinVar aggregate classification (germline): Uncertain significance (1 of 4 stars; one submission).

Conditions:
Short-rib thoracic dysplasia 6 with or without polydactyly (SRTD6). Also called: SHORT RIB-POLYDACTYLY SYNDROME, TYPE IIA; POLYDACTYLY WITH NEONATAL CHONDRODYSTROPHY, TYPE II; SHORT-RIB THORACIC DYSPLASIA 6 WITH POLYDACTYLY; SHORT-RIB THORACIC DYSPLASIA 6 WITHOUT POLYDACTYLY; Majewski Syndrome. Identifiers: MedGen C0024507, MONDO:0009894, OMIM 263520.

gnomAD v4.1: 9 of 1,607,926 alleles (0.00056%); highest among the groups gnomAD compares: Non-Finnish European, 0.00076%; no homozygotes.

Submission:

Labcorp Genetics (formerly Invitae), Labcorp
Classification: Uncertain significance for Short-rib thoracic dysplasia 6 with or without polydactyly. Last evaluated: 2021-06-14. Review status: criteria provided, single submitter. Criteria: Invitae Variant Classification Sherloc (09022015). Collection method: clinical testing. Allele origin: germline.
Comment: In summary, the available evidence is currently insufficient to determine the role of this variant in disease. Therefore, it has been classified as a Variant of Uncertain Significance. Algorithms developed to predict the effect of missense changes on protein structure and function output the following: SIFT: "Tolerated"; PolyPhen-2: "Benign"; Align-GVGD: "Class C0". The leucine amino acid residue is found in multiple mammalian species, suggesting that this missense change does not adversely affect protein function. These predictions have not been confirmed by published functional studies and their clinical significance is uncertain. This variant has not been reported in the literature in individuals with NEK1-related conditions. This variant is present in population databases (rs199827465, ExAC 0.002%). This sequence change replaces valine with leucine at codon 685 of the NEK1 protein (p.Val685Leu). The valine residue is weakly conserved and there is a small physicochemical difference between valine and leucine.

NM_001199397.3(NEK1):c.2137G>T (p.Val713Leu)

Gene: NEK1 (NIMA related kinase 1; minus strand). Cytogenetic location: 4q33.
Variant type: single nucleotide variant.
Coding change: c.2137G>T on transcript NM_001199397.3 (MANE Select); coding-DNA position 2137, G replaced by T.
Protein change: p.Val713Leu; replaces valine 713 with leucine.
Molecular consequence: missense variant. On other transcripts: non-coding transcript variant (1).
Genome position (GRCh38, 1-based): chr4:169,479,405, C>A on the plus strand (G>T on the coding strand, the complement: NEK1 is on the minus strand). VCF-style: chr4-169479405-C-A. GRCh37 (hg19) VCF-style: chr4-170400556-C-A.
Other names: c.2005G>T, p.Val669Leu (NM_001199398.3); c.1846G>T, p.Val616Leu (NM_001199399.3); c.1921G>T, p.Val641Leu (NM_001199400.3); c.2137G>T, p.Val713Leu (NM_001374418.1); c.2053G>T, p.Val685Leu (NM_001374419.1, NM_012224.4); c.2002G>T, p.Val668Leu (NM_001374420.1); c.1831G>T, p.Val611Leu (NM_001374421.1); short protein forms V611L, V616L, V641L, V668L, V685L, V669L, V713L.
Identifiers: ClinVar variation 1385256 (VCV001385256.8), dbSNP rs199827465, ClinGen allele CA3137509.